The following is an entry in ClinVar:

NM_052874.5(STX1B):c.463+3G>T

Gene: STX1B (syntaxin 1B; minus strand). Cytogenetic location: 16p11.2.
Variant type: single nucleotide variant.
Coding change: c.463+3G>T on transcript NM_052874.5 (MANE Select); 3 bases into the intron after coding-DNA position 463, G replaced by T.
Molecular consequence: intron variant.
Genome position (GRCh38, 1-based): chr16:30,996,948, C>A on the plus strand (G>T on the coding strand, the complement: STX1B is on the minus strand). VCF-style: chr16-30996948-C-A. GRCh37 (hg19) VCF-style: chr16-31008269-C-A.
Other names: c.463+3G>T (NM_052874.3).
Identifiers: ClinVar variation 662148 (VCV000662148.7), dbSNP rs994660213, ClinGen allele CA280570416.
Genomic context (GRCh38, chr16:30,996,948, plus strand): 5'-GCCTGGAAGGGGGCTTGGGCAGCCTCAAGGAGTTCGGGGTCCTGGGGTGGGGGGCACACG[C>A]ACTGATCTCCAGTTGCCGCTGGATCCGGTCCTTGCAGCGGTCCCGGTACTTGGACTGGGT-3'

ClinVar aggregate classification (germline): Uncertain significance. Review status: criteria provided, multiple submitters, no conflicts (2 of 4 stars). 3 submissions from 3 submitters: Uncertain significance (3). Last evaluated 2024-11-15.

Conditions:
Inborn genetic diseases. Identifiers: MedGen C0950123, MeSH D030342.
Generalized epilepsy with febrile seizures plus, type 9 (GEFSP9). Also called: GEFS+, TYPE 9. Identifiers: Orphanet 36387, MedGen C4015395, MONDO:0014517, OMIM 616172.

Allele frequency attached by ClinVar (database versions not stated): gnomAD exomes below 0.00001; gnomAD 0.00001; TOPMed 0.00001.
gnomAD v4.1: 5 of 1,611,816 alleles (0.00031%); highest among the groups gnomAD compares: Non-Finnish European, 0.00034%; no homozygotes.

Submissions (3):

Ambry Genetics
Classification: Uncertain significance for Inborn genetic diseases. Last evaluated: 2024-11-15. Review status: criteria provided, single submitter. Criteria: Ambry Variant Classification Scheme 2023. Collection method: clinical testing. Allele origin: germline.
Comment: The c.463+3G>T intronic alteration consists of a G to T substitution nucleotides after coding exon 6 in the STX1B gene. Based on insufficient or conflicting evidence, the clinical significance of this alteration remains unclear.

Labcorp Genetics (formerly Invitae), Labcorp
Classification: Uncertain significance for Generalized epilepsy with febrile seizures plus, type 9. Last evaluated: 2022-07-19. Review status: criteria provided, single submitter. Criteria: Invitae Variant Classification Sherloc (09022015). Collection method: clinical testing. Allele origin: germline.
Comment: In summary, the available evidence is currently insufficient to determine the role of this variant in disease. Therefore, it has been classified as a Variant of Uncertain Significance. Variants that disrupt the consensus splice site are a relatively common cause of aberrant splicing (PMID: 17576681, 9536098). Algorithms developed to predict the effect of sequence changes on RNA splicing suggest that this variant is not likely to affect RNA splicing. ClinVar contains an entry for this variant (Variation ID: 662148). This variant has not been reported in the literature in individuals affected with STX1B-related conditions. This variant is not present in population databases (gnomAD no frequency). This sequence change falls in intron 6 of the STX1B gene. It does not directly change the encoded amino acid sequence of the STX1B protein. It affects a nucleotide within the consensus splice site.

GeneDx
Classification: Uncertain significance. Last evaluated: 2019-08-12. Review status: criteria provided, single submitter. Criteria: GeneDx Variant Classification Process June 2021. Collection method: clinical testing. Allele origin: germline. Affected: yes.
Comment: Not observed in large population cohorts (Lek et al., 2016); Has not been previously published as pathogenic or benign to our knowledge; In-silico analysis, which includes splice predictors and evolutionary conservation, is inconclusive as to whether the variant alters gene splicing. In the absence of RNA/functional studies, the actual effect of this sequence change is unknown.

Literature cited by the submitters: PubMed 17576681 (cited by Labcorp Genetics (formerly Invitae), Labcorp); PubMed 9536098 (cited by Labcorp Genetics (formerly Invitae), Labcorp).